The following is an entry in ClinVar:

NM_024408.4(NOTCH2):c.5557G>C (p.Asp1853His)

Gene: NOTCH2 (notch receptor 2; minus strand). Cytogenetic location: 1p12.
Variant type: single nucleotide variant.
Coding change: c.5557G>C on transcript NM_024408.4 (MANE Select); coding-DNA position 5557, G replaced by C.
Protein change: p.Asp1853His; replaces aspartic acid 1853 with histidine.
Molecular consequence: missense variant.
Genome position (GRCh38, 1-based): chr1:119,919,536, C>G on the plus strand (G>C on the coding strand, the complement: NOTCH2 is on the minus strand). VCF-style: chr1-119919536-C-G. GRCh37 (hg19) VCF-style: chr1-120462159-C-G.
Other names: short protein forms D1853H.
Identifiers: ClinVar variation 2168877 (VCV002168877.4), dbSNP rs201094615, ClinGen allele CA1039605.

ClinVar aggregate classification (germline): Uncertain significance (1 of 4 stars; one submission).

Conditions:
Hajdu-Cheney syndrome (HJCYS). Also called: ACROOSTEOLYSIS WITH OSTEOPOROSIS AND CHANGES IN SKULL AND MANDIBLE; SERPENTINE FIBULA-POLYCYSTIC KIDNEY SYNDROME; Acroosteolysis dominant type. Identifiers: Orphanet 955, MedGen C0917715, MONDO:0007057, OMIM 102500.

Allele frequency attached by ClinVar (database versions not stated): gnomAD 0.00001; TOPMed 0.00001; ExAC 0.00002; 1000 Genomes Project 30x 0.00016; 1000 Genomes Project 0.00020.
gnomAD v4.1: 26 of 1,614,080 alleles (0.0016%); highest among the groups gnomAD compares: East Asian, 0.029%; no homozygotes.

Submission:

Labcorp Genetics (formerly Invitae), Labcorp
Classification: Uncertain significance for Hajdu-Cheney syndrome. Last evaluated: 2022-02-24. Review status: criteria provided, single submitter. Criteria: Invitae Variant Classification Sherloc (09022015). Collection method: clinical testing. Allele origin: germline.
Comment: This sequence change replaces aspartic acid, which is acidic and polar, with histidine, which is basic and polar, at codon 1853 of the NOTCH2 protein (p.Asp1853His). This variant is present in population databases (rs201094615, gnomAD 0.02%). This missense change has been observed in individual(s) with clinical features of Alagille syndrome (PMID: 32164334). Algorithms developed to predict the effect of missense changes on protein structure and function (SIFT, PolyPhen-2, Align-GVGD) all suggest that this variant is likely to be disruptive. In summary, the available evidence is currently insufficient to determine the role of this variant in disease. Therefore, it has been classified as a Variant of Uncertain Significance.

Literature cited by the submitters: PubMed 32164334.